The following is an entry in ClinVar:

ClinVar aggregate classification (germline): Uncertain significance (1 of 4 stars; one submission).

Allele frequency attached by ClinVar (database versions not stated): gnomAD exomes below 0.00001; TOPMed below 0.00001; gnomAD 0.00001.
gnomAD v4.1: 3 of 1,614,042 alleles (0.00019%); highest among the groups gnomAD compares: African/African-American, 0.004%; no homozygotes.

Submission:

Labcorp Genetics (formerly Invitae), Labcorp
Classification: Uncertain significance. Last evaluated: 2022-10-13. Review status: criteria provided, single submitter. Criteria: Invitae Variant Classification Sherloc (09022015). Collection method: clinical testing. Allele origin: germline.
Comment: This sequence change replaces threonine, which is neutral and polar, with isoleucine, which is neutral and non-polar, at codon 3205 of the VCAN protein (p.Thr3205Ile). In summary, the available evidence is currently insufficient to determine the role of this variant in disease. Therefore, it has been classified as a Variant of Uncertain Significance. Algorithms developed to predict the effect of missense changes on protein structure and function (SIFT, PolyPhen-2, Align-GVGD) all suggest that this variant is likely to be disruptive. This variant has not been reported in the literature in individuals affected with VCAN-related conditions. This variant is present in population databases (no rsID available, gnomAD 0.007%).

NM_004385.5(VCAN):c.9614C>T (p.Thr3205Ile)

Genes: VCAN (versican; plus strand), VCAN-AS1 (VCAN antisense RNA 1; minus strand). Cytogenetic location: 5q14.3.
Variant type: single nucleotide variant.
Coding change: c.9614C>T on transcript NM_004385.5 (MANE Select); coding-DNA position 9614, C replaced by T.
Protein change: p.Thr3205Ile; replaces threonine 3205 with isoleucine.
Molecular consequence: missense variant.
Genome position (GRCh38, 1-based): chr5:83,553,484, C>T. VCF-style: chr5-83553484-C-T. GRCh37 (hg19) VCF-style: chr5-82849303-C-T.
Other names: c.1391C>T, p.Thr464Ile (NM_001126336.3); c.6653C>T, p.Thr2218Ile (NM_001164097.2); c.4352C>T, p.Thr1451Ile (NM_001164098.2); short protein forms T1451I, T2218I, T3205I, T464I.
Identifiers: ClinVar variation 1937952 (VCV001937952.5), dbSNP rs1186770708, ClinGen allele CA360297506.